The following is an entry in ClinVar:

ClinVar aggregate classification (germline): Benign/Likely benign. Review status: criteria provided, multiple submitters, no conflicts (2 of 4 stars). 3 submissions from 3 submitters: Benign (1); Likely benign (2). Last evaluated 2024-09-12.

Conditions:
Hereditary cancer-predisposing syndrome. Also called: Hereditary neoplastic syndrome; Neoplastic Syndromes, Hereditary; Tumor predisposition; Hereditary Cancer Syndrome. Identifiers: Orphanet 140162, MedGen C0027672, MeSH D009386, MONDO:0015356.
Hereditary diffuse gastric adenocarcinoma (HDGC). Also called: DIFFUSE GASTRIC AND LOBULAR BREAST CANCER SYNDROME. Identifiers: Orphanet 26106, MedGen C1708349, MONDO:0007648, OMIM 137215.

Submissions (3):

Myriad Genetics, Inc.
Classification: Benign for Hereditary diffuse gastric adenocarcinoma. Last evaluated: 2024-09-12. Review status: criteria provided, single submitter. Criteria: Myriad Autosomal Dominant, Autosomal Recessive and X-Linked Classification Criteria (2023). Collection method: clinical testing. Allele origin: unknown.
Comment: This variant is considered benign. This variant is a silent/synonymous amino acid change and it is not expected to impact splicing.

Labcorp Genetics (formerly Invitae), Labcorp
Classification: Likely benign for Hereditary diffuse gastric adenocarcinoma. Last evaluated: 2024-01-24. Review status: criteria provided, single submitter. Criteria: Invitae Variant Classification Sherloc (09022015). Collection method: clinical testing. Allele origin: germline.

Ambry Genetics
Classification: Likely benign for Hereditary cancer-predisposing syndrome. Last evaluated: 2016-12-26. Review status: criteria provided, single submitter. Criteria: Ambry Variant Classification Scheme 2023. Collection method: clinical testing. Allele origin: germline.

NM_004360.5(CDH1):c.342C>G (p.Val114=)

Gene: CDH1 (cadherin 1; plus strand). Cytogenetic location: 16q22.1.
Variant type: single nucleotide variant.
Coding change: c.342C>G on transcript NM_004360.5 (MANE Select); coding-DNA position 342, C replaced by G.
Protein change: p.Val114=; no amino-acid change (valine 114 retained).
Molecular consequence: synonymous variant. On other transcripts: 5 prime UTR variant (2).
Genome position (GRCh38, 1-based): chr16:68,801,848, C>G. VCF-style: chr16-68801848-C-G. GRCh37 (hg19) VCF-style: chr16-68835751-C-G.
Other names: c.342C>G (LRG_301t1); c.342C>G, p.Val114= (NM_001317184.2); c.-1274C>G (NM_001317185.2); c.-1478C>G (NM_001317186.2).
Identifiers: ClinVar variation 483259 (VCV000483259.15), dbSNP rs1555514470, ClinGen allele CA496152690.